The following is an entry in ClinVar:

ClinVar aggregate classification (germline): Uncertain significance (1 of 4 stars; one submission).

Conditions:
Menke-Hennekam syndrome 1 (MKHK1). Identifiers: MedGen C5193034, MONDO:0020763, OMIM 618332.

Submission:

MGZ Medical Genetics Center
Classification: Uncertain significance for Menke-Hennekam syndrome 1. Last evaluated: 2022-03-21. Review status: criteria provided, single submitter. Criteria: ACMG Guidelines, 2015. Collection method: clinical testing. Allele origin: germline. Affected: yes. Observed: 1 variant allele.
Comment: ACMG criteria applied: PM1, PM2_SUP, PP2, PP3

NM_004380.3(CREBBP):c.4903A>T (p.Ile1635Phe)

Gene: CREBBP (CREB binding protein; minus strand). Cytogenetic location: 16p13.3.
Variant type: single nucleotide variant.
Coding change: c.4903A>T on transcript NM_004380.3 (MANE Select); coding-DNA position 4903, A replaced by T.
Protein change: p.Ile1635Phe; replaces isoleucine 1635 with phenylalanine.
Molecular consequence: missense variant.
Genome position (GRCh38, 1-based): chr16:3,731,461, T>A on the plus strand (A>T on the coding strand, the complement: CREBBP is on the minus strand). VCF-style: chr16-3731461-T-A. GRCh37 (hg19) VCF-style: chr16-3781462-T-A.
Other names: c.4789A>T, p.Ile1597Phe (NM_001079846.1); short protein forms I1597F, I1635F.
Identifiers: ClinVar variation 1709268 (VCV001709268.2), dbSNP rs2151317621, ClinGen allele CA394559103.